The following is an entry in ClinVar:

NM_006648.4(WNK2):c.6182G>A (p.Arg2061Gln)

Gene: WNK2 (WNK lysine deficient protein kinase 2; plus strand). Cytogenetic location: 9q22.31.
Variant type: single nucleotide variant.
Coding change: c.6182G>A on transcript NM_006648.4 (MANE Select); coding-DNA position 6182, G replaced by A.
Protein change: p.Arg2061Gln; replaces arginine 2061 with glutamine.
Molecular consequence: missense variant.
Genome position (GRCh38, 1-based): chr9:93,300,117, G>A. VCF-style: chr9-93300117-G-A. GRCh37 (hg19) VCF-style: chr9-96062399-G-A.
Other names: c.6293G>A, p.Arg2098Gln (NM_001282394.3); short protein forms R2061Q, R2098Q.
Identifiers: ClinVar variation 3982233 (VCV003982233.2).
Genomic context (GRCh38, chr9:93,300,117, plus strand): 5'-CGGTTTACCACCCAACGTCTGAGAGAGTGACCTATAAGTCTAGTAGCAAACCTCGTGCTC[G>A]ATTCCTCAGTGGACCCGTATCTGTGTCCATCTGTCTGTATTTGTTCTTTTGTATTTTATC-3'
Protein context (NP_006639.3, residues 2051-2071): TYKSSSKPRA[Arg2061Gln]FLSGPVSVSI

ClinVar aggregate classification (germline): Uncertain significance (1 of 4 stars; one submission).

gnomAD v4.1: 11 of 1,613,300 alleles (0.00068%); highest among the groups gnomAD compares: East Asian, 0.0022%; no homozygotes.

Submission:

Ambry Genetics
Classification: Uncertain significance. Last evaluated: 2025-09-10. Review status: criteria provided, single submitter. Criteria: Ambry Variant Classification Scheme 2023. Collection method: clinical testing. Allele origin: germline.
Comment: The p.R2061Q variant (also known as c.6182G>A), located in coding exon 25 of the WNK2 gene, results from a G to A substitution at nucleotide position 6182. The arginine at codon 2061 is replaced by glutamine, an amino acid with highly similar properties. This amino acid position is conserved. In addition, this alteration is predicted to be deleterious by in silico analysis. Based on the available evidence, the clinical significance of this variant remains unclear.